The following is an entry in ClinVar:

ClinVar aggregate classification (germline): Uncertain significance (1 of 4 stars; one submission).

Submission:

GeneDx
Classification: Uncertain significance. Last evaluated: 2026-02-15. Review status: criteria provided, single submitter. Criteria: GeneDx Variant Classification Process June 2021. Collection method: clinical testing. Allele origin: germline.
Comment: Not observed at significant frequency in large population cohorts (gnomAD); In silico analysis suggests that this missense variant does not alter protein structure/function; Has not been previously published as pathogenic or benign to our knowledge

NM_015021.3(ZNF292):c.7148T>A (p.Val2383Glu)

Gene: ZNF292 (zinc finger protein 292; plus strand). Cytogenetic location: 6q14.3.
Variant type: single nucleotide variant.
Coding change: c.7148T>A on transcript NM_015021.3 (MANE Select); coding-DNA position 7148, T replaced by A.
Protein change: p.Val2383Glu; replaces valine 2383 with glutamic acid.
Molecular consequence: missense variant.
Genome position (GRCh38, 1-based): chr6:87,260,777, T>A. VCF-style: chr6-87260777-T-A. GRCh37 (hg19) VCF-style: chr6-87970495-T-A.
Other names: c.6728T>A, p.Val2243Glu (NM_001351444.2); short protein forms V2243E, V2383E.
Identifiers: ClinVar variation 5009698 (VCV005009698.1).